The following is an entry in ClinVar:

ClinVar aggregate classification (germline): Uncertain significance (1 of 4 stars; one submission).

Conditions:
Renal coloboma syndrome (PAPRS). Also called: OPTIC COLOBOMA, VESICOURETERAL REFLUX, AND RENAL ANOMALIES; OPTIC NERVE COLOBOMA WITH RENAL DISEASE; RENAL-COLOBOMA SYNDROME WITH MACULAR ABNORMALITIES; PAPILLORENAL SYNDROME WITH MILD OCULAR ABNORMALITIES; CONGENITAL ANOMALIES OF THE KIDNEY AND URINARY TRACT WITH OR WITHOUT OCULAR ABNORMALITIES; CAKUT WITH OR WITHOUT OCULAR ABNORMALITIES. Identifiers: Orphanet 1475, MedGen C1852759, MONDO:0007352, OMIM 120330.
Focal segmental glomerulosclerosis 7 (FSGS7). Identifiers: Orphanet 656, MedGen C4014925, MONDO:0014451, OMIM 616002.

Allele frequency attached by ClinVar (database versions not stated): TOPMed below 0.00001; ExAC 0.00002.
gnomAD v4.1: 4 of 1,613,544 alleles (0.00025%); highest among the groups gnomAD compares: Admixed American, 0.0067%; no homozygotes.

Submission:

Labcorp Genetics (formerly Invitae), Labcorp
Classification: Uncertain significance for Renal coloboma syndrome; Focal segmental glomerulosclerosis 7. Last evaluated: 2022-12-01. Review status: criteria provided, single submitter. Criteria: Invitae Variant Classification Sherloc (09022015). Collection method: clinical testing. Allele origin: germline.
Comment: This variant is present in population databases (rs754968736, gnomAD 0.01%). This sequence change replaces methionine, which is neutral and non-polar, with threonine, which is neutral and polar, at codon 3 of the PAX2 protein (p.Met3Thr). In summary, the available evidence is currently insufficient to determine the role of this variant in disease. Therefore, it has been classified as a Variant of Uncertain Significance. Algorithms developed to predict the effect of missense changes on protein structure and function are either unavailable or do not agree on the potential impact of this missense change (SIFT: "Not Available"; PolyPhen-2: "Benign"; Align-GVGD: "Not Available"). This variant has not been reported in the literature in individuals affected with PAX2-related conditions.

NM_000278.5(PAX2):c.8T>C (p.Met3Thr)

Gene: PAX2 (paired box 2; plus strand). Cytogenetic location: 10q24.31.
Variant type: single nucleotide variant.
Coding change: c.8T>C on transcript NM_000278.5 (MANE Select); coding-DNA position 8, T replaced by C.
Protein change: p.Met3Thr; replaces methionine 3 with threonine.
Molecular consequence: missense variant.
Genome position (GRCh38, 1-based): chr10:100,746,268, T>C. VCF-style: chr10-100746268-T-C. GRCh37 (hg19) VCF-style: chr10-102506025-T-C.
Other names: c.101T>C, p.Met34Thr (NM_001304569.2, NM_001374303.1); c.8T>C, p.Met3Thr (NM_003987.5, NM_003988.5, NM_003989.5 and 1 more transcripts); short protein forms M3T, M34T.
Identifiers: ClinVar variation 2040039 (VCV002040039.4), dbSNP rs754968736, ClinGen allele CA5650606.